The following is an entry in ClinVar:

NM_000038.6(APC):c.6923C>A (p.Thr2308Asn)

Gene: APC (APC regulator of Wnt signaling pathway; plus strand). Cytogenetic location: 5q22.2.
Variant type: single nucleotide variant.
Coding change: c.6923C>A on transcript NM_000038.6 (MANE Select); coding-DNA position 6923, C replaced by A.
Protein change: p.Thr2308Asn; replaces threonine 2308 with asparagine.
Molecular consequence: missense variant. On other transcripts: non-coding transcript variant (2).
Genome position (GRCh38, 1-based): chr5:112,842,517, C>A. VCF-style: chr5-112842517-C-A. GRCh37 (hg19) VCF-style: chr5-112178214-C-A.
Other names: c.6923C>A, p.Thr2308Asn (NM_001354895.2, NM_001407450.1, NM_001127510.3); c.6977C>A, p.Thr2326Asn (NM_001354896.2, NM_001407447.1, NM_001407448.1 and 1 more transcripts); c.6953C>A, p.Thr2318Asn (NM_001354897.2); c.6848C>A, p.Thr2283Asn (NM_001354898.2); c.6839C>A, p.Thr2280Asn (NM_001354899.2); c.6800C>A, p.Thr2267Asn (NM_001354900.2); c.6746C>A, p.Thr2249Asn (NM_001354901.2, NM_001407453.1); c.6650C>A, p.Thr2217Asn (NM_001354902.2); and 11 more; short protein forms T1924N, T2207N, T2217N, T2225N, T2249N, T2283N, T2336N, T2148N.
Identifiers: ClinVar variation 5024879 (VCV005024879.1).

ClinVar aggregate classification (germline): Uncertain significance (1 of 4 stars; one submission).

Conditions:
Hereditary cancer-predisposing syndrome. Also called: Neoplastic Syndromes, Hereditary; Tumor predisposition; Hereditary neoplastic syndrome; Hereditary Cancer Syndrome. Identifiers: Orphanet 140162, MedGen C0027672, MeSH D009386, MONDO:0015356.

Submission:

Ambry Genetics
Classification: Uncertain significance for Hereditary cancer-predisposing syndrome. Last evaluated: 2026-07-04. Review status: criteria provided, single submitter. Criteria: Ambry Variant Classification Scheme 2023. Collection method: clinical testing. Allele origin: germline.
Comment: The p.T2308N variant (also known as c.6923C>A), located in coding exon 15 of the APC gene, results from a C to A substitution at nucleotide position 6923. The threonine at codon 2308 is replaced by asparagine, an amino acid with similar properties. This amino acid position is conserved. In addition, in silico predictors for this gene do not accurately predict pathogenicity. Based on the available evidence, the clinical significance of this variant remains unclear.